The following is an entry in ClinVar:

ClinVar aggregate classification (germline): Uncertain significance (1 of 4 stars; one submission).

gnomAD v4.1: 2 of 1,612,156 alleles (0.00012%); highest among the groups gnomAD compares: South Asian, 0.0022%; no homozygotes.

Submission:

Labcorp Genetics (formerly Invitae), Labcorp
Classification: Uncertain significance. Last evaluated: 2025-09-29. Review status: criteria provided, single submitter. Criteria: Invitae Variant Classification Sherloc (09022015). Collection method: clinical testing. Allele origin: germline.
Comment: This sequence change replaces tyrosine, which is neutral and polar, with histidine, which is basic and polar, at codon 693 of the AP3D1 protein (p.Tyr693His). This variant is not present in population databases (gnomAD no frequency). This variant has not been reported in the literature in individuals affected with AP3D1-related conditions. An algorithm developed to predict the effect of missense changes on protein structure and function (PolyPhen-2) suggests that this variant is likely to be tolerated. In summary, the available evidence is currently insufficient to determine the role of this variant in disease. Therefore, it has been classified as a Variant of Uncertain Significance.

NM_001261826.3(AP3D1):c.2077T>C (p.Tyr693His)

Gene: AP3D1 (adaptor related protein complex 3 subunit delta 1; minus strand). Cytogenetic location: 19p13.3.
Variant type: single nucleotide variant.
Coding change: c.2077T>C on transcript NM_001261826.3 (MANE Select); coding-DNA position 2077, T replaced by C.
Protein change: p.Tyr693His; replaces tyrosine 693 with histidine.
Molecular consequence: missense variant.
Genome position (GRCh38, 1-based): chr19:2,115,610, A>G on the plus strand (T>C on the coding strand, the complement: AP3D1 is on the minus strand). VCF-style: chr19-2115610-A-G. GRCh37 (hg19) VCF-style: chr19-2115609-A-G.
Other names: c.2077T>C, p.Tyr693His (NM_001374799.1, NM_003938.8); short protein forms Y693H.
Identifiers: ClinVar variation 4727346 (VCV004727346.1).